The following is an entry in ClinVar:

ClinVar aggregate classification (germline): Uncertain significance (1 of 4 stars; one submission).

gnomAD v4.1: 21 of 1,613,790 alleles (0.0013%); highest among the groups gnomAD compares: South Asian, 0.0044%; no homozygotes.

Submission:

Labcorp Genetics (formerly Invitae), Labcorp
Classification: Uncertain significance. Last evaluated: 2025-11-08. Review status: criteria provided, single submitter. Criteria: Invitae Variant Classification Sherloc (09022015). Collection method: clinical testing. Allele origin: germline.
Comment: This sequence change replaces glycine, which is neutral and non-polar, with serine, which is neutral and polar, at codon 224 of the MYH7B protein (p.Gly224Ser). This variant is present in population databases (rs751376955, gnomAD 0.01%). This variant has not been reported in the literature in individuals affected with MYH7B-related conditions. Invitae Evidence Modeling of protein sequence and biophysical properties (such as structural, functional, and spatial information, amino acid conservation, physicochemical variation, residue mobility, and thermodynamic stability) indicates that this missense variant is expected to disrupt MYH7B protein function with a positive predictive value of 80%. In summary, the available evidence is currently insufficient to determine the role of this variant in disease. Therefore, it has been classified as a Variant of Uncertain Significance.

NM_020884.7(MYH7B):c.544G>A (p.Gly182Ser)

Gene: MYH7B (myosin heavy chain 7B; plus strand). Cytogenetic location: 20q11.22.
Variant type: single nucleotide variant.
Coding change: c.544G>A on transcript NM_020884.7 (MANE Select); coding-DNA position 544, G replaced by A.
Protein change: p.Gly182Ser; replaces glycine 182 with serine.
Molecular consequence: missense variant.
Genome position (GRCh38, 1-based): chr20:34,982,475, G>A. VCF-style: chr20-34982475-G-A. GRCh37 (hg19) VCF-style: chr20-33570278-G-A.
Other names: short protein forms G182S.
Identifiers: ClinVar variation 4804101 (VCV004804101.1).